The following is an entry in ClinVar:

ClinVar aggregate classification (germline): Uncertain significance (1 of 4 stars; one submission).

Conditions:
Cardiovascular phenotype. Identifiers: MedGen CN230736.

Allele frequency attached by ClinVar (database versions not stated): gnomAD exomes 0.00001; TOPMed 0.00001.
gnomAD v4.1: 5 of 1,613,728 alleles (0.00031%); highest among the groups gnomAD compares: Non-Finnish European, 0.00042%; no homozygotes.

Submission:

Ambry Genetics
Classification: Uncertain significance for Cardiovascular phenotype. Last evaluated: 2022-02-03. Review status: criteria provided, single submitter. Criteria: Ambry Variant Classification Scheme 2023. Collection method: clinical testing. Allele origin: germline.
Comment: The p.P402L variant (also known as c.1205C>T), located in coding exon 8 of the TBX5 gene, results from a C to T substitution at nucleotide position 1205. The proline at codon 402 is replaced by leucine, an amino acid with similar properties. This amino acid position is not well conserved in available vertebrate species. In addition, this alteration is predicted to be tolerated by in silico analysis. Since supporting evidence is limited at this time, the clinical significance of this alteration remains unclear.

NM_181486.4(TBX5):c.1205C>T (p.Pro402Leu)

Gene: TBX5 (T-box transcription factor 5; minus strand). Cytogenetic location: 12q24.21.
Variant type: single nucleotide variant.
Coding change: c.1205C>T on transcript NM_181486.4 (MANE Select); coding-DNA position 1205, C replaced by T.
Protein change: p.Pro402Leu; replaces proline 402 with leucine.
Molecular consequence: missense variant.
Genome position (GRCh38, 1-based): chr12:114,355,884, G>A on the plus strand (C>T on the coding strand, the complement: TBX5 is on the minus strand). VCF-style: chr12-114355884-G-A. GRCh37 (hg19) VCF-style: chr12-114793689-G-A.
Other names: c.1205C>T, p.Pro402Leu (NM_000192.3); c.1055C>T, p.Pro352Leu (NM_080717.4); short protein forms P352L, P402L.
Identifiers: ClinVar variation 1748602 (VCV001748602.2), dbSNP rs1868870355, ClinGen allele CA386925559.